The following is an entry in ClinVar:

ClinVar aggregate classification (germline): Pathogenic (1 of 4 stars; one submission).

Conditions:
Hereditary diffuse gastric adenocarcinoma (HDGC). Also called: DIFFUSE GASTRIC AND LOBULAR BREAST CANCER SYNDROME. Identifiers: Orphanet 26106, MedGen C1708349, MONDO:0007648, OMIM 137215.

Submission:

Labcorp Genetics (formerly Invitae), Labcorp
Classification: Pathogenic for Hereditary diffuse gastric adenocarcinoma. Last evaluated: 2021-03-09. Review status: criteria provided, single submitter. Criteria: Invitae Variant Classification Sherloc (09022015). Collection method: clinical testing. Allele origin: germline.
Comment: This sequence change creates a premature translational stop signal (p.Thr303Profs*53) in the CDH1 gene. It is expected to result in an absent or disrupted protein product. Loss-of-function variants in CDH1 are known to be pathogenic (PMID: 15235021, 20373070). This variant is not present in population databases (ExAC no frequency). This variant has not been reported in the literature in individuals with CDH1-related conditions. For these reasons, this variant has been classified as Pathogenic.

Literature cited by the submitters: PubMed 15235021; PubMed 20373070.

NM_004360.5(CDH1):c.907del (p.Thr303fs)

Gene: CDH1 (cadherin 1; plus strand). Cytogenetic location: 16q22.1.
Variant type: Deletion.
Coding change: c.907del on transcript NM_004360.5 (MANE Select); coding-DNA position 907, one base deleted (A; older notation c.907delA).
Protein change: p.Thr303fs; shifts the reading frame from threonine 303.
Molecular consequence: frameshift variant. On other transcripts: 5 prime UTR variant (2).
Genome position (GRCh38, 1-based): chr16:68,811,758, A deleted. VCF-style (leftmost placement, unchanged base first): chr16-68811757-CA-C. GRCh37 (hg19) VCF-style: chr16-68845660-CA-C.
Other names: c.907del, p.Thr303fs (NM_001317184.2); c.-709del (NM_001317185.2); c.-913del (NM_001317186.2); short protein forms T303fs.
Identifiers: ClinVar variation 1435283 (VCV001435283.6), dbSNP rs2152131991, ClinGen allele CA2573130323.